The following is an entry in ClinVar:

ClinVar aggregate classification (germline): Uncertain significance (1 of 4 stars; one submission).

Submission:

GeneDx
Classification: Uncertain significance. Last evaluated: 2024-07-09. Review status: criteria provided, single submitter. Criteria: GeneDx Variant Classification Process June 2021. Collection method: clinical testing. Allele origin: germline. Affected: yes.
Comment: Not observed at significant frequency in large population cohorts (gnomAD); In silico analysis indicates that this missense variant does not alter protein structure/function; Has not been previously published as pathogenic or benign to our knowledge

NM_006662.3(SRCAP):c.9131C>T (p.Pro3044Leu)

Gene: SRCAP (Snf2 related CREBBP activator protein; plus strand). Cytogenetic location: 16p11.2.
Variant type: single nucleotide variant.
Coding change: c.9131C>T on transcript NM_006662.3 (MANE Select); coding-DNA position 9131, C replaced by T.
Protein change: p.Pro3044Leu; replaces proline 3044 with leucine.
Molecular consequence: missense variant.
Genome position (GRCh38, 1-based): chr16:30,739,171, C>T. VCF-style: chr16-30739171-C-T. GRCh37 (hg19) VCF-style: chr16-30750492-C-T.
Other names: short protein forms P3044L.
Identifiers: ClinVar variation 3572788 (VCV003572788.1).